The following is an entry in ClinVar:

NM_006567.5(FARS2):c.1280A>G (p.Gln427Arg)

Gene: FARS2 (phenylalanyl-tRNA synthetase 2, mitochondrial; plus strand). Cytogenetic location: 6p25.1.
Variant type: single nucleotide variant.
Coding change: c.1280A>G on transcript NM_006567.5 (MANE Select); coding-DNA position 1280, A replaced by G.
Protein change: p.Gln427Arg; replaces glutamine 427 with arginine.
Molecular consequence: missense variant.
Genome position (GRCh38, 1-based): chr6:5,771,353, A>G. VCF-style: chr6-5771353-A-G. GRCh37 (hg19) VCF-style: chr6-5771586-A-G.
Other names: p.Gln427Arg; c.1280A>G, p.Gln427Arg (NM_001318872.2, NM_001374875.1, NM_001374876.1 and 4 more transcripts); c.1148A>G, p.Gln383Arg (NM_001375258.1); c.584A>G, p.Gln195Arg (NM_001375259.1, NM_001375260.1); short protein forms Q383R, Q427R, Q195R.
Identifiers: ClinVar variation 767043 (VCV000767043.14), dbSNP rs778281728, ClinGen allele CA3623935.

ClinVar aggregate classification (germline): Conflicting classifications of pathogenicity. Review status: criteria provided, conflicting classifications (1 of 4 stars). 3 submissions from 3 submitters: Uncertain significance (2); Likely benign (1). Last evaluated 2025-11-26.

Conditions:
Combined oxidative phosphorylation defect type 14. Also called: Combined oxidative phosphorylation deficiency 14. Identifiers: Orphanet 319519, MedGen C4755312, MONDO:0013986, OMIM 614946.

Allele frequency attached by ClinVar (database versions not stated): ExAC 0.00020; gnomAD exomes 0.00028 and 0.00005; gnomAD 0.00002; TOPMed 0.00012.
gnomAD v4.1: 77 of 1,614,068 alleles (0.0048%); highest among the groups gnomAD compares: Admixed American, 0.13%; 1 homozygote.

Submissions (3):

Labcorp Genetics (formerly Invitae), Labcorp
Classification: Likely benign for Combined oxidative phosphorylation defect type 14. Last evaluated: 2025-11-26. Review status: criteria provided, single submitter. Criteria: Invitae Variant Classification Sherloc (09022015). Collection method: clinical testing. Allele origin: germline.

Mayo Clinic Laboratories, Mayo Clinic
Classification: Uncertain significance. Last evaluated: 2022-07-29. Review status: criteria provided, single submitter. Criteria: ACMG Guidelines, 2015. Collection method: clinical testing. Allele origin: germline. Observed: 1 variant allele.

GeneDx
Classification: Uncertain significance. Last evaluated: 2020-06-17. Review status: criteria provided, single submitter. Criteria: GeneDx Variant Classification Process June 2021. Collection method: clinical testing. Allele origin: germline. Affected: yes.
Comment: In silico analysis supports that this missense variant has a deleterious effect on protein structure/function